The following is an entry in ClinVar:

NM_022455.5(NSD1):c.4786T>C (p.Cys1596Arg)

Gene: NSD1 (nuclear receptor binding SET domain protein 1; plus strand). Cytogenetic location: 5q35.3.
Variant type: single nucleotide variant.
Coding change: c.4786T>C on transcript NM_022455.5 (MANE Select); coding-DNA position 4786, T replaced by C.
Protein change: p.Cys1596Arg; replaces cysteine 1596 with arginine.
Molecular consequence: missense variant.
Genome position (GRCh38, 1-based): chr5:177,256,971, T>C. VCF-style: chr5-177256971-T-C. GRCh37 (hg19) VCF-style: chr5-176683972-T-C.
Other names: c.3913T>C, p.Cys1305Arg (NM_001365684.2, NM_001409308.1, NM_001409309.1 and 1 more transcripts); c.4786T>C, p.Cys1596Arg (NM_001409301.1, NM_001409302.1, NM_001409303.1); c.4366T>C, p.Cys1456Arg (NM_001409304.1); c.4033T>C, p.Cys1345Arg (NM_001409305.1); c.4024T>C, p.Cys1342Arg (NM_001409306.1, NM_001409307.1); short protein forms C1305R, C1342R, C1345R, C1456R, C1596R.
Identifiers: ClinVar variation 3901479 (VCV003901479.1).

ClinVar aggregate classification (germline): Pathogenic (1 of 4 stars; one submission).

Submission:

GeneDx
Classification: Pathogenic. Last evaluated: 2024-12-05. Review status: criteria provided, single submitter. Criteria: GeneDx Variant Classification Process June 2021. Collection method: clinical testing. Allele origin: germline. Affected: yes.
Comment: Not observed at significant frequency in large population cohorts (gnomAD); In silico analysis supports that this missense variant has a deleterious effect on protein structure/function; This variant is associated with the following publications: (PMID: 17565729, 36421837, 38535015, 22924495, 37066965)